The following is an entry in ClinVar:

NM_000540.3(RYR1):c.13900G>A (p.Glu4634Lys)

Gene: RYR1 (ryanodine receptor 1; plus strand). Cytogenetic location: 19q13.2.
Variant type: single nucleotide variant.
Coding change: c.13900G>A on transcript NM_000540.3 (MANE Select); coding-DNA position 13900, G replaced by A.
Protein change: p.Glu4634Lys; replaces glutamic acid 4634 with lysine.
Molecular consequence: missense variant.
Genome position (GRCh38, 1-based): chr19:38,572,172, G>A. VCF-style: chr19-38572172-G-A. GRCh37 (hg19) VCF-style: chr19-39062812-G-A.
Other names: c.13885G>A, p.Glu4629Lys (NM_001042723.2); short protein forms E4634K, E4629K.
Identifiers: ClinVar variation 65934 (VCV000065934.4), dbSNP rs118192133, ClinGen allele CA024076.

ClinVar aggregate classification (germline): Pathogenic. Review status: criteria provided, single submitter (1 of 4 stars). 3 submissions from 3 submitters: Pathogenic (1). 2 of the submissions do not count toward it. Last evaluated 2013-11-22.

Conditions:
Central core myopathy (CMYO1A). Also called: Central core disease; Myopathy, central fibrillar; CONGENITAL MYOPATHY 1A, AUTOSOMAL DOMINANT, WITH SUSCEPTIBILITY TO MALIGNANT HYPERTHERMIA. Identifiers: Orphanet 597, MedGen C5830701, MONDO:0007294, OMIM 117000.

Submissions (3):

PreventionGenetics, part of Exact Sciences
Classification: Pathogenic. Last evaluated: 2013-11-22. Review status: criteria provided, single submitter. Criteria: ACMG Guidelines, 2015. Collection method: clinical testing. Allele origin: germline.

GeneReviews
Classification: Pathogenic for Central Core Disease. Last evaluated: 2010-05-11. Review status: no assertion criteria provided. Collection method: curation. Allele origin: unknown. Not counted in ClinVar's aggregate classification.
ClinVar note: Converted during submission from pathologic to Pathogenic.

RYR1 database
No classification provided. Review status: no classification provided. Collection method: not provided. Allele origin: unknown. Not counted in ClinVar's aggregate classification.